The following is an entry in ClinVar:

NC_000012.11:g.(?_133233722)_(133263945_?)dup

Genes: POLE (DNA polymerase epsilon, catalytic subunit; minus strand), LOC130009266 (ATAC-STARR-seq lymphoblastoid silent region 5123; plus strand). Cytogenetic location: 12q24.33.
Variant type: Duplication.
Identifiers: ClinVar variation 417360 (VCV000417360.1).

ClinVar aggregate classification (germline): Uncertain significance (1 of 4 stars; one submission).

Conditions:
Colorectal cancer, susceptibility to, 12 (CRCS12). Also called: COLORECTAL CANCER, SUSCEPTIBILITY TO, ON CHROMOSOME 12q24. Identifiers: Orphanet 220460, MedGen C3554460, MONDO:0014038, OMIM 615083.

Submission:

Labcorp Genetics (formerly Invitae), Labcorp
Classification: Uncertain significance for Colorectal cancer, susceptibility to, 12. Last evaluated: 2016-05-04. Review status: criteria provided, single submitter. Criteria: Invitae Variant Classification Sherloc (09022015). Collection method: clinical testing. Allele origin: germline.
Comment: This variant is a gross duplication of the genomic region encompassing exons 1-29 of the POLE gene. The 5' end of this event is unknown as it extends beyond the assayed region for this gene and therefore may encompass additional genes. The 3' boundary is likely confined to intron 29 of the POLE gene. This variant is not present in population databases (ExAC no frequency) and has not been reported in the literature in individuals with a POLE-related disease. In summary, this is a novel duplication with uncertain impact on protein function. It has been classified as a Variant of Uncertain Significance